The following is an entry in ClinVar:

NM_004551.3(NDUFS3):c.742C>T (p.Pro248Ser)

Gene: NDUFS3 (NADH:ubiquinone oxidoreductase core subunit S3; plus strand). Cytogenetic location: 11p11.2.
Variant type: single nucleotide variant.
Coding change: c.742C>T on transcript NM_004551.3 (MANE Select); coding-DNA position 742, C replaced by T.
Protein change: p.Pro248Ser; replaces proline 248 with serine.
Molecular consequence: missense variant.
Genome position (GRCh38, 1-based): chr11:47,584,428, C>T. VCF-style: chr11-47584428-C-T. GRCh37 (hg19) VCF-style: chr11-47605980-C-T.
Other names: short protein forms P248S.
Identifiers: ClinVar variation 2132080 (VCV002132080.4), dbSNP rs763493736, ClinGen allele CA380362889.
Genomic context (GRCh38, chr11:47,584,428, plus strand): 5'-CAAGAGTTCCGCAAATTTGACCTGAACAGCCCCTGGGAGGCTTTCCCAGTCTATCGCCAA[C>T]CCCCGGAGAGTCTCAAGCTTGAAGCCGGAGACAAGAAGCCTGATGCCAAGTAGCTCCAGG-3'
Protein context (NP_004542.1, residues 238-258): PWEAFPVYRQ[Pro248Ser]PESLKLEAGD

ClinVar aggregate classification (germline): Uncertain significance (1 of 4 stars; one submission).

gnomAD v4.1: 2 of 1,614,112 alleles (0.00012%); highest among the groups gnomAD compares: Non-Finnish European, 0.000085%; no homozygotes.

Submission:

Labcorp Genetics (formerly Invitae), Labcorp
Classification: Uncertain significance. Last evaluated: 2022-08-02. Review status: criteria provided, single submitter. Criteria: Invitae Variant Classification Sherloc (09022015). Collection method: clinical testing. Allele origin: germline.
Comment: Algorithms developed to predict the effect of missense changes on protein structure and function (SIFT, PolyPhen-2, Align-GVGD) all suggest that this variant is likely to be tolerated. In summary, the available evidence is currently insufficient to determine the role of this variant in disease. Therefore, it has been classified as a Variant of Uncertain Significance. This variant has not been reported in the literature in individuals affected with NDUFS3-related conditions. This variant is not present in population databases (gnomAD no frequency). This sequence change replaces proline, which is neutral and non-polar, with serine, which is neutral and polar, at codon 248 of the NDUFS3 protein (p.Pro248Ser).